The following is an entry in ClinVar:

NM_001082486.2(ACD):c.1313T>A (p.Leu438His)

Gene: ACD (ACD shelterin complex subunit and telomerase recruitment factor; minus strand). Cytogenetic location: 16q22.1.
Variant type: single nucleotide variant.
Coding change: c.1313T>A on transcript NM_001082486.2 (MANE Select); coding-DNA position 1313, T replaced by A.
Protein change: p.Leu438His; replaces leucine 438 with histidine.
Molecular consequence: missense variant.
Genome position (GRCh38, 1-based): chr16:67,657,670, A>T on the plus strand (T>A on the coding strand, the complement: ACD is on the minus strand). VCF-style: chr16-67657670-A-T. GRCh37 (hg19) VCF-style: chr16-67691573-A-T.
Other names: c.1226T>A, p.Leu409His (NM_001410884.1); c.1304T>A, p.Leu435His (NM_022914.3); short protein forms L409H, L435H, L438H.
Identifiers: ClinVar variation 3232650 (VCV003232650.1), dbSNP rs2543595883, ClinGen allele CA396349711.

ClinVar aggregate classification (germline): Uncertain significance (1 of 4 stars; one submission).

Conditions:
Inborn genetic diseases. Identifiers: MedGen C0950123, MeSH D030342.

Submission:

Ambry Genetics
Classification: Uncertain significance for Inborn genetic diseases. Last evaluated: 2023-12-15. Review status: criteria provided, single submitter. Criteria: Ambry Variant Classification Scheme 2023. Collection method: clinical testing. Allele origin: germline.
Comment: The p.L524H variant (also known as c.1571T>A), located in coding exon 12 of the ACD gene, results from a T to A substitution at nucleotide position 1571. The leucine at codon 524 is replaced by histidine, an amino acid with similar properties. This amino acid position is conserved. In addition, the in silico prediction for this alteration is inconclusive. Since supporting evidence is limited at this time, the clinical significance of this alteration remains unclear.